The following is an entry in ClinVar:

ClinVar aggregate classification (germline): Uncertain significance. Review status: criteria provided, multiple submitters, no conflicts (2 of 4 stars). 2 submissions from 2 submitters: Uncertain significance (2). Last evaluated 2025-10-10.

Conditions:
Hereditary cancer-predisposing syndrome. Also called: Tumor predisposition; Neoplastic Syndromes, Hereditary; Hereditary Cancer Syndrome; Hereditary neoplastic syndrome. Identifiers: Orphanet 140162, MedGen C0027672, MeSH D009386, MONDO:0015356.
Ataxia-telangiectasia syndrome (AT). Also called: ATAXIA-TELANGIECTASIA, COMPLEMENTATION GROUP A; ATAXIA-TELANGIECTASIA, FRESNO VARIANT; Ataxia-telangiectasia; Ataxia-telangiectasia, complementation group D; AT, COMPLEMENTATION GROUP C; Ataxia-telangiectasia, complementation group E. Identifiers: Orphanet 100, MedGen C0004135, MONDO:0008840, OMIM 208900.

Submissions (2):

Ambry Genetics
Classification: Uncertain significance for Hereditary cancer-predisposing syndrome. Last evaluated: 2025-10-10. Review status: criteria provided, single submitter. Criteria: Ambry Variant Classification Scheme 2023. Collection method: clinical testing. Allele origin: germline.
Comment: The p.Y2437N variant (also known as c.7309T>A), located in coding exon 49 of the ATM gene, results from a T to A substitution at nucleotide position 7309. The tyrosine at codon 2437 is replaced by asparagine, an amino acid with dissimilar properties. This amino acid position is conserved. In addition, this alteration is predicted to be deleterious by in silico analysis. Based on the available evidence, the clinical significance of this variant remains unclear.

Labcorp Genetics (formerly Invitae), Labcorp
Classification: Uncertain significance for Ataxia-telangiectasia syndrome. Last evaluated: 2025-01-14. Review status: criteria provided, single submitter. Criteria: Invitae Variant Classification Sherloc (09022015). Collection method: clinical testing. Allele origin: germline.
Comment: This sequence change replaces tyrosine, which is neutral and polar, with asparagine, which is neutral and polar, at codon 2437 of the ATM protein (p.Tyr2437Asn). This variant is not present in population databases (gnomAD no frequency). This variant has not been reported in the literature in individuals affected with ATM-related conditions. ClinVar contains an entry for this variant (Variation ID: 861718). An algorithm developed to predict the effect of missense changes on protein structure and function (PolyPhen-2) suggests that this variant is likely to be disruptive. In summary, the available evidence is currently insufficient to determine the role of this variant in disease. Therefore, it has been classified as a Variant of Uncertain Significance.

NM_000051.4(ATM):c.7309T>A (p.Tyr2437Asn)

Genes: ATM (ATM serine/threonine kinase; plus strand), C11orf65 (chromosome 11 open reading frame 65; minus strand). Cytogenetic location: 11q22.3.
Variant type: single nucleotide variant.
Coding change: c.7309T>A on transcript NM_000051.4 (MANE Select); coding-DNA position 7309, T replaced by A.
Protein change: p.Tyr2437Asn; replaces tyrosine 2437 with asparagine.
Molecular consequence: missense variant. On other transcripts: intron variant (2).
Genome position (GRCh38, 1-based): chr11:108,330,215, T>A. VCF-style: chr11-108330215-T-A. GRCh37 (hg19) VCF-style: chr11-108200942-T-A.
Other names: c.7309T>A, p.Tyr2437Asn (NM_001351834.2); c.641-21144A>T (NM_001330368.2); c.*38+5005A>T (NM_001351110.2); short protein forms Y2437N.
Identifiers: ClinVar variation 861718 (VCV000861718.8), dbSNP rs1565529213, ClinGen allele CA382559862.